The following is an entry in ClinVar:

NM_198904.4(GABRG2):c.548+4T>C

Gene: GABRG2 (gamma-aminobutyric acid type A receptor subunit gamma2; plus strand). Cytogenetic location: 5q34.
Variant type: single nucleotide variant.
Coding change: c.548+4T>C on transcript NM_198904.4 (MANE Select); 4 bases into the intron after coding-DNA position 548, T replaced by C.
Molecular consequence: intron variant.
Genome position (GRCh38, 1-based): chr5:162,097,862, T>C. VCF-style: chr5-162097862-T-C. GRCh37 (hg19) VCF-style: chr5-161524868-T-C.
Other names: c.263+4T>C (NM_001375349.1); c.548+4T>C (NM_001375343.1, NM_001375344.1, NM_001375340.1 and 4 more transcripts); c.128+4T>C (NM_001375350.1, NM_001375348.1); c.539+4T>C (NM_001375339.1); c.482+4T>C (NM_001375346.1, NM_001375345.1); c.461+4T>C (NM_001375347.1).
Identifiers: ClinVar variation 2942175 (VCV002942175.3), dbSNP rs1193498428, ClinGen allele CA564438714.

ClinVar aggregate classification (germline): Uncertain significance (1 of 4 stars; one submission).

Conditions:
EPILEPSY, CHILDHOOD ABSENCE, SUSCEPTIBILITY TO, 2 (ECA2). Identifiers: Orphanet 64280, MedGen C1843244, OMIM 607681.
Febrile seizures, familial, 8 (FEB8). Also called: CONVULSIONS, FAMILIAL FEBRILE, 8. Identifiers: Orphanet 36387, MedGen C1969810, MONDO:0011891, OMIM 607681.

Allele frequency attached by ClinVar (database versions not stated): gnomAD exomes below 0.00001.
gnomAD v4.1: 1 of 1,610,516 alleles (0.000062%); highest among the groups gnomAD compares: South Asian, 0.0011%; no homozygotes.

Submission:

Labcorp Genetics (formerly Invitae), Labcorp
Classification: Uncertain significance for Febrile seizures, familial, 8; EPILEPSY, CHILDHOOD ABSENCE, SUSCEPTIBILITY TO, 2. Last evaluated: 2023-12-30. Review status: criteria provided, single submitter. Criteria: Invitae Variant Classification Sherloc (09022015). Collection method: clinical testing. Allele origin: germline.
Comment: This sequence change falls in intron 4 of the GABRG2 gene. It does not directly change the encoded amino acid sequence of the GABRG2 protein. It affects a nucleotide within the consensus splice site. This variant is present in population databases (no rsID available, gnomAD 0.006%). This variant has not been reported in the literature in individuals affected with GABRG2-related conditions. Variants that disrupt the consensus splice site are a relatively common cause of aberrant splicing (PMID: 17576681, 9536098). Algorithms developed to predict the effect of sequence changes on RNA splicing suggest that this variant is not likely to affect RNA splicing. In summary, the available evidence is currently insufficient to determine the role of this variant in disease. Therefore, it has been classified as a Variant of Uncertain Significance.

Literature cited by the submitters: PubMed 17576681; PubMed 9536098.